The following is an entry in ClinVar:

ClinVar aggregate classification (germline): Uncertain significance. Review status: criteria provided, multiple submitters, no conflicts (2 of 4 stars). 2 submissions from 2 submitters: Uncertain significance (2). Last evaluated 2026-07-02.

Conditions:
Hereditary cancer-predisposing syndrome. Also called: Hereditary neoplastic syndrome; Neoplastic Syndromes, Hereditary; Tumor predisposition; Hereditary Cancer Syndrome. Identifiers: Orphanet 140162, MedGen C0027672, MeSH D009386, MONDO:0015356.

gnomAD v4.1: 1 of 1,614,226 alleles (0.000062%); highest among the groups gnomAD compares: African/African-American, 0.0013%; no homozygotes.

Submissions (2):

Ambry Genetics
Classification: Uncertain significance for Hereditary cancer-predisposing syndrome. Last evaluated: 2026-07-02. Review status: criteria provided, single submitter. Criteria: Ambry Variant Classification Scheme 2023. Collection method: clinical testing. Allele origin: germline.
Comment: The p.G500D variant (also known as c.1499G>A), located in coding exon 10 of the CDH1 gene, results from a G to A substitution at nucleotide position 1499. The glycine at codon 500 is replaced by aspartic acid, an amino acid with similar properties. This amino acid position is conserved. In addition, this alteration is predicted to be tolerated by in silico analysis. Based on the available evidence, the clinical significance of this variant remains unclear.

Quest Diagnostics Nichols Institute San Juan Capistrano
Classification: Uncertain significance. Last evaluated: 2024-10-10. Review status: criteria provided, single submitter. Criteria: Quest Diagnostics criteria. Collection method: clinical testing. Allele origin: unknown.
Comment: The CDH1 c.1499G>A (p.Gly500Asp) variant has not been reported in individuals with CDH1-related conditions in the published literature. It also has not been reported in large, multi-ethnic general populations (Genome Aggregation Database). Analysis of this variant using bioinformatics tools for the prediction of the effect of amino acid changes on protein structure and function yielded predictions that this variant is benign. Based on the available information, we are unable to determine the clinical significance of this variant.

NM_004360.5(CDH1):c.1499G>A (p.Gly500Asp)

Gene: CDH1 (cadherin 1; plus strand). Cytogenetic location: 16q22.1.
Variant type: single nucleotide variant.
Coding change: c.1499G>A on transcript NM_004360.5 (MANE Select); coding-DNA position 1499, G replaced by A.
Protein change: p.Gly500Asp; replaces glycine 500 with aspartic acid.
Molecular consequence: missense variant. On other transcripts: 5 prime UTR variant (2).
Genome position (GRCh38, 1-based): chr16:68,815,693, G>A. VCF-style: chr16-68815693-G-A. GRCh37 (hg19) VCF-style: chr16-68849596-G-A.
Other names: c.1316G>A, p.Gly439Asp (NM_001317184.2); c.-50G>A (NM_001317185.2); c.-321G>A (NM_001317186.2); short protein forms G439D, G500D.
Identifiers: ClinVar variation 3572233 (VCV003572233.2).